The following is an entry in ClinVar:

NM_014112.5(TRPS1):c.3698G>A (p.Cys1233Tyr)

Gene: TRPS1 (transcriptional repressor GATA binding 1; minus strand). Cytogenetic location: 8q23.3.
Variant type: single nucleotide variant.
Coding change: c.3698G>A on transcript NM_014112.5 (MANE Select); coding-DNA position 3698, G replaced by A.
Protein change: p.Cys1233Tyr; replaces cysteine 1233 with tyrosine.
Molecular consequence: missense variant.
Genome position (GRCh38, 1-based): chr8:115,414,210, C>T on the plus strand (G>A on the coding strand, the complement: TRPS1 is on the minus strand). VCF-style: chr8-115414210-C-T. GRCh37 (hg19) VCF-style: chr8-116426438-C-T.
Other names: c.3671G>A, p.Cys1224Tyr (NM_001282902.3); c.3677G>A, p.Cys1226Tyr (NM_001282903.3); c.3659G>A, p.Cys1220Tyr (NM_001330599.2); short protein forms C1233Y, C1220Y, C1226Y, C1224Y.
Identifiers: ClinVar variation 635360 (VCV000635360.7), dbSNP rs1586249260, ClinGen allele CA372062185.

ClinVar aggregate classification (germline): Likely pathogenic. Review status: criteria provided, single submitter (1 of 4 stars). 2 submissions from 2 submitters: Likely pathogenic (1). 1 of the submissions does not count toward it. Last evaluated 2023-03-23.

Conditions:
Trichorhinophalangeal dysplasia type I (TRPS1). Also called: TRICHORHINOPHALANGEAL SYNDROME, TYPE I; TRPS I. Identifiers: Orphanet 77258, MedGen C0432233, MONDO:0008596, OMIM 190350.
Trichorhinophalangeal syndrome, type III (TRPS3). Also called: SUGIO-KAJII SYNDROME. Identifiers: Orphanet 77258, MedGen C1860823, OMIM 190351, MONDO:0008597.

Submissions (2):

Labcorp Genetics (formerly Invitae), Labcorp
Classification: Likely pathogenic for Trichorhinophalangeal syndrome, type III; Trichorhinophalangeal dysplasia type I. Last evaluated: 2023-03-23. Review status: criteria provided, single submitter. Criteria: Invitae Variant Classification Sherloc (09022015). Collection method: clinical testing. Allele origin: germline.
Comment: This missense change has been observed in individual(s) with trichorhinophalangeal syndrome (PMID: 31884116; Invitae). In at least one individual the variant was observed to be de novo. This sequence change replaces cysteine, which is neutral and slightly polar, with tyrosine, which is neutral and polar, at codon 1233 of the TRPS1 protein (p.Cys1233Tyr). This variant is not present in population databases (gnomAD no frequency). ClinVar contains an entry for this variant (Variation ID: 635360). Advanced modeling of protein sequence and biophysical properties (such as structural, functional, and spatial information, amino acid conservation, physicochemical variation, residue mobility, and thermodynamic stability) performed at Invitae indicates that this missense variant is expected to disrupt TRPS1 protein function. This variant disrupts the p.Cys1233 amino acid residue in TRPS1. Other variant(s) that disrupt this residue have been observed in individuals with TRPS1-related conditions (PMID: 24357341), which suggests that this may be a clinically significant amino acid residue. In summary, the currently available evidence indicates that the variant is pathogenic, but additional data are needed to prove that conclusively. Therefore, this variant has been classified as Likely Pathogenic.

Clinical Genomics Unit, Sheba Medical Center
Classification: Pathogenic for Trichorhinophalangeal dysplasia type I. Review status: no assertion criteria provided. Collection method: clinical testing. Allele origin: de novo. Inheritance: Autosomal dominant inheritance. Affected: yes. Observed: 1 heterozygote. Not counted in ClinVar's aggregate classification.

Literature cited by the submitters: PubMed 31884116 (cited by Labcorp Genetics (formerly Invitae), Labcorp); PubMed 24357341 (cited by Labcorp Genetics (formerly Invitae), Labcorp).